The following is an entry in ClinVar:

NM_203290.4(POLR1C):c.546T>C (p.Ala182=)

Gene: POLR1C (RNA polymerase I and III subunit C; plus strand). Cytogenetic location: 6p21.1.
Variant type: single nucleotide variant.
Coding change: c.546T>C on transcript NM_203290.4 (MANE Select); coding-DNA position 546, T replaced by C.
Protein change: p.Ala182=; no amino-acid change (alanine 182 retained).
Molecular consequence: synonymous variant.
Genome position (GRCh38, 1-based): chr6:43,520,318, T>C. VCF-style: chr6-43520318-T-C. GRCh37 (hg19) VCF-style: chr6-43488056-T-C.
Other names: c.546T>C, p.Ala182= (NM_001318876.2, NM_001363658.2).
Identifiers: ClinVar variation 1701503 (VCV001701503.31), dbSNP rs763888907, ClinGen allele CA3825483.

ClinVar aggregate classification (germline): Likely benign (1 of 4 stars; one submission).

Allele frequency attached by ClinVar (database versions not stated): ExAC 0.00001; gnomAD 0.00001 and 0.00003; gnomAD exomes 0.00001 and 0.00002; TOPMed 0.00003.
gnomAD v4.1: 38 of 1,613,158 alleles (0.0024%); highest among the groups gnomAD compares: Non-Finnish European, 0.0031%; no homozygotes.

Submission:

CeGaT Center for Human Genetics Tuebingen
Classification: Likely benign. Last evaluated: 2022-07-01. Review status: criteria provided, single submitter. Criteria: CeGaT Center For Human Genetics Tuebingen Variant Classification Criteria Version 2. Collection method: clinical testing. Allele origin: germline. Affected: yes. Observed: 1 variant allele.
Comment: POLR1C: BP4, BP7